The following is an entry in ClinVar:

ClinVar aggregate classification (germline): Benign/Likely benign. Review status: criteria provided, multiple submitters, no conflicts (2 of 4 stars). 3 submissions from 2 submitters: Benign (2); Likely benign (1). Last evaluated 2018-01-12.

Conditions:
Sacral defect with anterior meningocele. Identifiers: MedGen C1838568, OMIM 600145.
Neural tube defect (NTD). Also called: Neural tube defects. Identifiers: Orphanet 3388, Orphanet 823, MedGen C0027794, MONDO:0018075, HP:0045005.

Allele frequency attached by ClinVar (database versions not stated): TOPMed 0.24835; 1000 Genomes Project 0.27456; gnomAD exomes 0.50000.
gnomAD v4.1: 36,869 of 152,180 alleles (24%); highest among the groups gnomAD compares: East Asian, 35%; 4,604 homozygotes.

Submissions (3):

Illumina Laboratory Services, Illumina
Classification: Benign for Neural tube defects, susceptibility to. Last evaluated: 2018-01-12. Review status: criteria provided, single submitter. Criteria: ICSL Variant Classification Criteria 13 December 2019. Collection method: clinical testing. Allele origin: germline.
Comment: This variant was observed in the ICSL laboratory as part of a predisposition screen in an ostensibly healthy population. It had not been previously curated by ICSL or reported in the Human Gene Mutation Database (HGMD: prior to June 1st, 2018), and was therefore a candidate for classification through an automated scoring system. Utilizing variant allele frequency, disease prevalence and penetrance estimates, and inheritance mode, an automated score was calculated to assess if this variant is too frequent to cause the disease. Based on the score and internal cut-off values, a variant classified as benign is not then subjected to further curation. The score for this variant resulted in a classification of benign for this disease.

Illumina Laboratory Services, Illumina
Classification: Benign for Sacral defect with anterior meningocele. Last evaluated: 2018-01-12. Review status: criteria provided, single submitter. Criteria: ICSL Variant Classification Criteria 13 December 2019. Collection method: clinical testing. Allele origin: germline.
Comment: the same text as in the submission from Illumina Laboratory Services, Illumina above.

Breakthrough Genomics
Classification: Likely benign. Review status: criteria provided, single submitter. Criteria: ACMG Guidelines, 2015. Collection method: not provided. Allele origin: germline. Inheritance: Autosomal dominant inheritance. Affected: yes.

NM_138959.3(VANGL1):c.*5633T>G

Gene: VANGL1 (VANGL planar cell polarity protein 1; plus strand). Cytogenetic location: 1p13.1.
Variant type: single nucleotide variant.
Coding change: c.*5633T>G on transcript NM_138959.3 (MANE Select); 5633 bases downstream of the stop codon, T replaced by G.
Molecular consequence: 3 prime UTR variant.
Genome position (GRCh38, 1-based): chr1:115,697,012, T>G. VCF-style: chr1-115697012-T-G. GRCh37 (hg19) VCF-style: chr1-116239633-T-G.
Other names: c.*5633T>G (NM_001172411.2, NM_001172412.2).
Identifiers: ClinVar variation 292093 (VCV000292093.8), dbSNP rs4348723, ClinGen allele CA10607704.